The following is an entry in ClinVar:

ClinVar aggregate classification (germline): Uncertain significance (1 of 4 stars; one submission).

gnomAD v4.1: 3 of 1,607,864 alleles (0.00019%); highest among the groups gnomAD compares: East Asian, 0.0067%; no homozygotes.

Submission:

Women's Health and Genetics/Laboratory Corporation of America, LabCorp
Classification: Uncertain significance. Last evaluated: 2019-04-16. Review status: criteria provided, single submitter. Criteria: LabCorp Variant Classification Summary - May 2015. Collection method: clinical testing. Allele origin: germline.
Comment: Variant summary: FAM175A c.100C>A (p.Leu34Ile) results in a conservative amino acid change located in the MPN domain (IPR037518) of the encoded protein sequence. Three of five in-silico tools predict a benign effect of the variant on protein function. The variant was absent in 246726 control chromosomes (gnomAD). The available data on variant occurrences in the general population are insufficient to allow any conclusion about variant significance. To our knowledge, no occurrence of c.100C>A in individuals affected with Hereditary Breast and Ovarian Cancer and no experimental evidence demonstrating its impact on protein function have been reported. No clinical diagnostic laboratories have submitted clinical-significance assessments for this variant to ClinVar after 2014. Based on the evidence outlined above, the variant was classified as uncertain significance.

NM_139076.3(ABRAXAS1):c.100C>A (p.Leu34Ile)

Gene: ABRAXAS1 (abraxas 1, BRCA1 A complex subunit; minus strand). Cytogenetic location: 4q21.23.
Variant type: single nucleotide variant.
Coding change: c.100C>A on transcript NM_139076.3 (MANE Select); coding-DNA position 100, C replaced by A.
Protein change: p.Leu34Ile; replaces leucine 34 with isoleucine.
Molecular consequence: missense variant. On other transcripts: 5 prime UTR variant (1).
Genome position (GRCh38, 1-based): chr4:83,482,232, G>T on the plus strand (C>A on the coding strand, the complement: ABRAXAS1 is on the minus strand). VCF-style: chr4-83482232-G-T. GRCh37 (hg19) VCF-style: chr4-84403385-G-T.
Other names: c.-161C>A (NM_001345962.2); short protein forms L34I.
Identifiers: ClinVar variation 928536 (VCV000928536.1), dbSNP rs1723022716, ClinGen allele CA357263348.
Genomic context (GRCh38, chr4:83,482,232, plus strand): 5'-CAACATCATCCATTTGGGAATCAGTAATGCTGTTCTTGGCTTCACCTTTTACTTCCCCAA[G>T]AAGAAAACCTTCCTATGAAGATAAAGAGGCAATATATAGAATACACTGATAGAATTACTG-3'
Protein context (NP_620775.2, residues 24-44): NTDSDTEGFL[Leu34Ile]GEVKGEAKNS